The following is an entry in ClinVar:

ClinVar aggregate classification (germline): Uncertain significance. Review status: criteria provided, multiple submitters, no conflicts (2 of 4 stars). 4 submissions from 4 submitters: Uncertain significance (3). 1 of the submissions does not count toward it. Last evaluated 2022-02-11.

Conditions:
BBS7-related disorder. Also called: BBS7-related condition.
Bardet-Biedl syndrome 7 (BBS7). Identifiers: Orphanet 110, MedGen C1859565, MONDO:0014435, OMIM 615984.
Bardet-Biedl syndrome (BBS). Identifiers: Orphanet 110, MedGen C0752166, MONDO:0015229.

Allele frequency attached by ClinVar (database versions not stated): gnomAD exomes 0.00002; TOPMed 0.00002; gnomAD 0.00003; ExAC 0.00005.
gnomAD v4.1: 43 of 1,613,562 alleles (0.0027%); highest among the groups gnomAD compares: East Asian, 0.0045%; no homozygotes.

Submissions (4):

Fulgent Genetics
Classification: Uncertain significance for Bardet-Biedl syndrome 7. Last evaluated: 2022-02-11. Review status: criteria provided, single submitter. Criteria: ACMG Guidelines, 2015. Collection method: clinical testing. Allele origin: unknown.

Blueprint Genetics
Classification: Uncertain significance. Last evaluated: 2021-11-11. Review status: criteria provided, single submitter. Criteria: ACMG Guidelines, 2015. Collection method: clinical testing. Allele origin: germline.

Labcorp Genetics (formerly Invitae), Labcorp
Classification: Uncertain significance for Bardet-Biedl syndrome. Last evaluated: 2021-09-24. Review status: criteria provided, single submitter. Criteria: Invitae Variant Classification Sherloc (09022015). Collection method: clinical testing. Allele origin: germline.
Comment: This sequence change replaces arginine with tryptophan at codon 446 of the BBS7 protein (p.Arg446Trp). The arginine residue is highly conserved and there is a moderate physicochemical difference between arginine and tryptophan. This variant is present in population databases (rs768987725, ExAC 0.01%). This variant has not been reported in the literature in individuals with BBS7-related conditions. Algorithms developed to predict the effect of missense changes on protein structure and function (SIFT, PolyPhen-2, Align-GVGD) all suggest that this variant is likely to be disruptive, but these predictions have not been confirmed by published functional studies and their clinical significance is uncertain. In summary, the available evidence is currently insufficient to determine the role of this variant in disease. Therefore, it has been classified as a Variant of Uncertain Significance.

PreventionGenetics, part of Exact Sciences
Classification: Uncertain significance for BBS7-related condition. Last evaluated: 2024-07-23. Review status: no assertion criteria provided. Collection method: clinical testing. Allele origin: germline. Not counted in ClinVar's aggregate classification.
Comment: The BBS7 c.1336C>T variant is predicted to result in the amino acid substitution p.Arg446Trp. To our knowledge, this variant has not been reported in the literature. This variant is reported in 0.0062% of alleles in individuals of African descent in gnomAD. At this time, the clinical significance of this variant is uncertain due to the absence of conclusive functional and genetic evidence.

NM_176824.3(BBS7):c.1336C>T (p.Arg446Trp)

Gene: BBS7 (Bardet-Biedl syndrome 7; minus strand). Cytogenetic location: 4q27.
Variant type: single nucleotide variant.
Coding change: c.1336C>T on transcript NM_176824.3 (MANE Select); coding-DNA position 1336, C replaced by T.
Protein change: p.Arg446Trp; replaces arginine 446 with tryptophan.
Molecular consequence: missense variant.
Genome position (GRCh38, 1-based): chr4:121,839,666, G>A on the plus strand (C>T on the coding strand, the complement: BBS7 is on the minus strand). VCF-style: chr4-121839666-G-A. GRCh37 (hg19) VCF-style: chr4-122760821-G-A.
Other names: c.1336C>T (NM_176824.2); c.1336C>T, p.Arg446Trp (NM_018190.4); short protein forms R446W.
Identifiers: ClinVar variation 1393456 (VCV001393456.8), dbSNP rs768987725, ClinGen allele CA3064251.